The following is an entry in ClinVar:

ClinVar aggregate classification (germline): Uncertain significance (1 of 4 stars; one submission).

Submission:

GeneDx
Classification: Uncertain significance. Last evaluated: 2025-03-25. Review status: criteria provided, single submitter. Criteria: GeneDx Variant Classification Process June 2021. Collection method: clinical testing. Allele origin: germline. Affected: yes.
Comment: Not observed at significant frequency in large population cohorts (gnomAD); In silico analysis supports that this missense variant has a deleterious effect on protein structure/function; Has not been previously published as pathogenic or benign to our knowledge

NM_001372066.1(TFAP2A):c.503G>A (p.Gly168Asp)

Genes: TFAP2A (transcription factor AP-2 alpha; minus strand), TFAP2A-AS2 (TFAP2A antisense RNA 2; plus strand). Cytogenetic location: 6p24.3.
Variant type: single nucleotide variant.
Coding change: c.503G>A on transcript NM_001372066.1 (MANE Select); coding-DNA position 503, G replaced by A.
Protein change: p.Gly168Asp; replaces glycine 168 with aspartic acid.
Molecular consequence: missense variant. On other transcripts: non-coding transcript variant (1).
Genome position (GRCh38, 1-based): chr6:10,406,828, C>T on the plus strand (G>A on the coding strand, the complement: TFAP2A is on the minus strand). VCF-style: chr6-10406828-C-T. GRCh37 (hg19) VCF-style: chr6-10407061-C-T.
Other names: c.479G>A, p.Gly160Asp (NM_001032280.3); c.485G>A, p.Gly162Asp (NM_001042425.3); short protein forms G162D, G168D, G160D.
Identifiers: ClinVar variation 4088241 (VCV004088241.1).